The following is an entry in ClinVar:

NM_032242.4(PLXNA1):c.189G>A (p.Val63=)

Gene: PLXNA1 (plexin A1; plus strand). Cytogenetic location: 3q21.3.
Variant type: single nucleotide variant.
Coding change: c.189G>A on transcript NM_032242.4 (MANE Select); coding-DNA position 189, G replaced by A.
Protein change: p.Val63=; no amino-acid change (valine 63 retained).
Molecular consequence: synonymous variant.
Genome position (GRCh38, 1-based): chr3:126,988,782, G>A. VCF-style: chr3-126988782-G-A. GRCh37 (hg19) VCF-style: chr3-126707625-G-A.
Identifiers: ClinVar variation 4987827 (VCV004987827.1).

ClinVar aggregate classification (germline): Likely benign (1 of 4 stars; one submission).

Conditions:
PLXNA1-related disorder. Also called: PLXNA1-related condition.

gnomAD v4.1: 5 of 1,609,692 alleles (0.00031%); highest among the groups gnomAD compares: South Asian, 0.0044%; no homozygotes.

Submission:

PreventionGenetics, part of Exact Sciences
Classification: Likely benign for PLXNA1-related condition. Last evaluated: 2024-11-12. Review status: criteria provided, single submitter. Criteria: ACMG Guidelines, 2015. Collection method: clinical testing. Allele origin: germline.
Comment: This variant is classified as likely benign based on ACMG/AMP sequence variant interpretation guidelines (Richards et al. 2015 PMID: 25741868, with internal and published modifications).